The following is an entry in ClinVar:

ClinVar aggregate classification (germline): Benign (1 of 4 stars; one submission).

Conditions:
Episodic ataxia type 5. Identifiers: Orphanet 211067, MedGen C1866039, MONDO:0013464, OMIM 613855.

Allele frequency attached by ClinVar (database versions not stated): gnomAD 0.00004 and 0.00015; TOPMed 0.00004; 1000 Genomes Project 30x 0.00078; 1000 Genomes Project 0.00100.

Submission:

Illumina Laboratory Services, Illumina
Classification: Benign for Episodic ataxia type 5. Last evaluated: 2018-01-13. Review status: criteria provided, single submitter. Criteria: ICSL Variant Classification Criteria 13 December 2019. Collection method: clinical testing. Allele origin: germline.
Comment: This variant was observed in the ICSL laboratory as part of a predisposition screen in an ostensibly healthy population. It had not been previously curated by ICSL or reported in the Human Gene Mutation Database (HGMD: prior to June 1st, 2018), and was therefore a candidate for classification through an automated scoring system. Utilizing variant allele frequency, disease prevalence and penetrance estimates, and inheritance mode, an automated score was calculated to assess if this variant is too frequent to cause the disease. Based on the score and internal cut-off values, a variant classified as benign is not then subjected to further curation. The score for this variant resulted in a classification of benign for this disease.

NM_000726.5(CACNB4):c.*4081G>A

Gene: CACNB4 (calcium voltage-gated channel auxiliary subunit beta 4; minus strand). Cytogenetic location: 2q23.3.
Variant type: single nucleotide variant.
Coding change: c.*4081G>A on transcript NM_000726.5 (MANE Select); 4081 bases downstream of the stop codon, G replaced by A.
Molecular consequence: 3 prime UTR variant.
Genome position (GRCh38, 1-based): chr2:151,835,038, C>T on the plus strand (G>A on the coding strand, the complement: CACNB4 is on the minus strand). VCF-style: chr2-151835038-C-T. GRCh37 (hg19) VCF-style: chr2-152691552-C-T.
Other names: c.*4081G>A (NM_001005746.4, NM_001005747.4, NM_001145798.3 and 7 more transcripts).
Identifiers: ClinVar variation 331573 (VCV000331573.6), dbSNP rs148903851, ClinGen allele CA10610998.
Genomic context (GRCh38, chr2:151,835,038, plus strand): 5'-ATTTGAAACATTGATATGAAGTTTATTCCAATTACATGGGAGTCCAAGATTATGCATATC[C>T]TTACCCAGTAAATGGCTAAGTCATGCTCTGTGGAAGTCAAGGACCAACAAAATGTGAATT-3'